The following is an entry in ClinVar:

NM_001267550.2(TTN):c.72594G>A (p.Met24198Ile)

Genes: TTN (titin; minus strand), TTN-AS1 (TTN antisense RNA 1; plus strand). Cytogenetic location: 2q31.2.
Variant type: single nucleotide variant.
Coding change: c.72594G>A on transcript NM_001267550.2 (MANE Select); coding-DNA position 72594, G replaced by A.
Protein change: p.Met24198Ile; replaces methionine 24198 with isoleucine.
Molecular consequence: missense variant.
Genome position (GRCh38, 1-based): chr2:178,573,538, C>T on the plus strand (G>A on the coding strand, the complement: TTN is on the minus strand). VCF-style: chr2-178573538-C-T. GRCh37 (hg19) VCF-style: chr2-179438265-C-T.
Other names: c.67671G>A, p.Met22557Ile (NM_001256850.1); c.45399G>A, p.Met15133Ile (NM_003319.4); c.64890G>A, p.Met21630Ile (NM_133378.4); c.45774G>A, p.Met15258Ile (NM_133432.3); c.45975G>A, p.Met15325Ile (NM_133437.4); short protein forms M21630I, M24198I, M15258I, M15133I, M22557I, M15325I.
Identifiers: ClinVar variation 191901 (VCV000191901.1), dbSNP rs786205304, ClinGen allele CA237824.

ClinVar aggregate classification (germline): Uncertain significance (1 of 4 stars; one submission).

Submission:

Biesecker Lab/Clinical Genomics Section, National Institutes of Health
Classification: Uncertain significance. Last evaluated: 2013-06-24. Review status: criteria provided, single submitter. Criteria: Ng et al. (Circ Cardiovasc Genet. 2013). Collection method: research. Allele origin: unknown. Observed: 1 variant allele. Study: ClinSeq.
Comment: The study set was not selected for affection status in relation to any cancer. Pathogenicity categories were based on literature curation. See Pubmed ID:23861362 for details.

Medical sequencing